The following is an entry in ClinVar:

NM_020166.5(MCCC1):c.123C>A (p.Tyr41Ter)

Gene: MCCC1 (methylcrotonyl-CoA carboxylase subunit 1; minus strand). Cytogenetic location: 3q27.1.
Variant type: single nucleotide variant.
Coding change: c.123C>A on transcript NM_020166.5 (MANE Select); coding-DNA position 123, C replaced by A.
Protein change: p.Tyr41Ter; replaces tyrosine 41 with a stop codon.
Molecular consequence: nonsense. On other transcripts: missense variant (1), 5 prime UTR variant (1), non-coding transcript variant (2).
Genome position (GRCh38, 1-based): chr3:183,094,572, G>T on the plus strand (C>A on the coding strand, the complement: MCCC1 is on the minus strand). VCF-style: chr3-183094572-G-T. GRCh37 (hg19) VCF-style: chr3-182812360-G-T.
Other names: c.31C>A, p.His11Asn (NM_001293273.2); c.-68C>A (NM_001363880.1); short protein forms H11N, Y41*.
Identifiers: ClinVar variation 1070232 (VCV001070232.7), dbSNP rs2108569910, ClinGen allele CA355322442.

ClinVar aggregate classification (germline): Pathogenic (1 of 4 stars; one submission).

Conditions:
3-methylcrotonyl-CoA carboxylase 1 deficiency (MCC1D). Also called: MCCD TYPE 1; METHYLCROTONYLGLYCINURIA TYPE I; MCC 1 deficiency; 3 Alpha methylcrotonylglycinuria 1. Identifiers: Orphanet 6, MedGen CN028786, MONDO:0008861, OMIM 210200.

Submission:

Labcorp Genetics (formerly Invitae), Labcorp
Classification: Pathogenic for 3-methylcrotonyl-CoA carboxylase 1 deficiency. Last evaluated: 2020-03-14. Review status: criteria provided, single submitter. Criteria: Invitae Variant Classification Sherloc (09022015). Collection method: clinical testing. Allele origin: germline.
Comment: For these reasons, this variant has been classified as Pathogenic. Loss-of-function variants in MCCC1 are known to be pathogenic (PMID: 11181649, 15359379, 22642865). This variant has not been reported in the literature in individuals with MCCC1-related conditions. This variant is not present in population databases (ExAC no frequency). This sequence change creates a premature translational stop signal (p.Tyr41*) in the MCCC1 gene. It is expected to result in an absent or disrupted protein product.

Literature cited by the submitters: PubMed 11181649; PubMed 15359379; PubMed 22642865.